The following is an entry in ClinVar:

NM_000059.4(BRCA2):c.9244G>A (p.Val3082Met)

Gene: BRCA2 (BRCA2 DNA repair associated; plus strand). Cytogenetic location: 13q13.1.
Variant type: single nucleotide variant.
Coding change: c.9244G>A on transcript NM_000059.4 (MANE Select); coding-DNA position 9244, G replaced by A.
Protein change: p.Val3082Met; replaces valine 3082 with methionine.
Molecular consequence: missense variant.
Genome position (GRCh38, 1-based): chr13:32,380,133, G>A. VCF-style: chr13-32380133-G-A. GRCh37 (hg19) VCF-style: chr13-32954270-G-A.
Other names: short protein forms V3082M.
Identifiers: ClinVar variation 872380 (VCV000872380.20), dbSNP rs2072914815, ClinGen allele CA387758627.

ClinVar aggregate classification (germline): Uncertain significance. Review status: criteria provided, multiple submitters, no conflicts (2 of 4 stars). 2 submissions from 2 submitters: Uncertain significance (2). Last evaluated 2025-06-24.

Conditions:
Hereditary cancer-predisposing syndrome. Also called: Neoplastic Syndromes, Hereditary; Hereditary Cancer Syndrome; Tumor predisposition; Hereditary neoplastic syndrome. Identifiers: Orphanet 140162, MedGen C0027672, MeSH D009386, MONDO:0015356.
Hereditary breast ovarian cancer syndrome. Also called: Hereditary breast and ovarian cancer syndrome (HBOC); Hereditary breast and/or ovarian cancer syndrome; Hereditary breast and ovarian cancer syndrome; Breast and ovarian cancer; BRCA1- and BRCA2-Associated Hereditary Breast and Ovarian Cancer; Hereditary breast and ovarian cancer. Identifiers: Orphanet 145, MedGen C0677776, MeSH D061325, MONDO:0003582. Disease mechanism: loss of function.

Submissions (2):

Ambry Genetics
Classification: Uncertain significance for Hereditary cancer-predisposing syndrome. Last evaluated: 2025-06-24. Review status: criteria provided, single submitter. Criteria: Ambry Variant Classification Scheme 2023. Collection method: clinical testing. Allele origin: germline.
Comment: The p.V3082M variant (also known as c.9244G>A), located in coding exon 23 of the BRCA2 gene, results from a G to A substitution at nucleotide position 9244. The valine at codon 3082 is replaced by methionine, an amino acid with highly similar properties. This amino acid position is conserved. In addition, the in silico prediction for this alteration is inconclusive. Based on the available evidence, the clinical significance of this variant remains unclear.

Labcorp Genetics (formerly Invitae), Labcorp
Classification: Uncertain significance for Hereditary breast ovarian cancer syndrome. Last evaluated: 2023-07-14. Review status: criteria provided, single submitter. Criteria: Invitae Variant Classification Sherloc (09022015). Collection method: clinical testing. Allele origin: germline.
Comment: This sequence change replaces valine, which is neutral and non-polar, with methionine, which is neutral and non-polar, at codon 3082 of the BRCA2 protein (p.Val3082Met). This variant is not present in population databases (gnomAD no frequency). In summary, the available evidence is currently insufficient to determine the role of this variant in disease. Therefore, it has been classified as a Variant of Uncertain Significance. Advanced modeling of protein sequence and biophysical properties (such as structural, functional, and spatial information, amino acid conservation, physicochemical variation, residue mobility, and thermodynamic stability) performed at Invitae indicates that this missense variant is not expected to disrupt BRCA2 protein function. ClinVar contains an entry for this variant (Variation ID: 872380). This variant has not been reported in the literature in individuals affected with BRCA2-related conditions.